The following is an entry in ClinVar:

NM_001122630.2(CDKN1C):c.567_578dup (p.186_187AP[12])

Gene: CDKN1C (cyclin dependent kinase inhibitor 1C; minus strand). Cytogenetic location: 11p15.4.
Variant type: Indel.
Coding change: c.567_578dup on transcript NM_001122630.2 (MANE Select); coding-DNA positions 567 to 578, 12 bases duplicated (AGCCCCGGCCCC).
Protein change: p.186_187AP[12].
Molecular consequence: inframe insertion. On other transcripts: intron variant (1).
Genome position (GRCh38, 1-based): chr11:2,884,879-2,884,890, GGGGCCGGGGCT duplicated on the plus strand (AGCCCCGGCCCC on the coding strand, the reverse complement: CDKN1C is on the minus strand); duplicating any 12 consecutive bases within chr11:2,884,879-2,884,901 gives the same sequence; the c. name uses the placement nearest the transcript's 3' end. VCF-style (leftmost placement, unchanged base first): chr11-2884878-C-CGGGGCCGGGGCT. GRCh37 (hg19) VCF-style: chr11-2906108-C-CGGGGCCGGGGCT.
Other names: c.600_611dup, p.197_198AP[12] (LRG_533t1, NM_000076.2, NM_001362474.2); c.567_578dup, p.186_187AP[12] (NM_001122631.2); c.255+312_255+323dup (NM_001362475.2); c.600_611dupAGCCCCGGCCCC (NM_000076.2).
Identifiers: ClinVar variation 236961 (VCV000236961.38), dbSNP rs878853634, ClinGen allele CA10582898.

ClinVar aggregate classification (germline): Benign/Likely benign. Review status: criteria provided, multiple submitters, no conflicts (2 of 4 stars). 5 submissions from 5 submitters: Benign (1); Likely benign (4). Last evaluated 2026-01-19.

Conditions:
Beckwith-Wiedemann syndrome (BWS). Also called: EMG SYNDROME; Exomphalos macroglossia gigantism syndrome. Identifiers: Orphanet 116, MedGen C0004903, MONDO:0007534, OMIM 130650.

Submissions (5):

Labcorp Genetics (formerly Invitae), Labcorp
Classification: Benign for Beckwith-Wiedemann syndrome. Last evaluated: 2026-01-19. Review status: criteria provided, single submitter. Criteria: Invitae Variant Classification Sherloc (09022015). Collection method: clinical testing. Allele origin: germline.

CeGaT Center for Human Genetics Tuebingen
Classification: Likely benign. Last evaluated: 2025-09-01. Review status: criteria provided, single submitter. Criteria: CeGaT Center For Human Genetics Tuebingen Variant Classification Criteria Version 2. Collection method: clinical testing. Allele origin: germline. Affected: yes. Observed: 4 variant alleles.
Comment: CDKN1C: BS1

Laboratory of Genetics, Children's Clinical University Hospital Latvia
Classification: Likely benign. Last evaluated: 2025-02-16. Review status: criteria provided, single submitter. Criteria: ACMG Guidelines, 2015. Collection method: clinical testing. Allele origin: germline. Affected: yes.

Blueprint Genetics
Classification: Likely benign. Last evaluated: 2024-11-21. Review status: criteria provided, single submitter. Criteria: ACMG Guidelines, 2015. Collection method: clinical testing. Allele origin: germline.

Sema4
Classification: Likely benign for Beckwith-Wiedemann syndrome. Last evaluated: 2020-12-16. Review status: criteria provided, single submitter. Criteria: Sema4 Curation Guidelines. Collection method: curation. Allele origin: germline.